The following is an entry in ClinVar:

NM_001789.3(CDC25A):c.72G>T (p.Gln24His)

Gene: CDC25A (cell division cycle 25A; minus strand). Cytogenetic location: 3p21.31.
Variant type: single nucleotide variant.
Coding change: c.72G>T on transcript NM_001789.3 (MANE Select); coding-DNA position 72, G replaced by T.
Protein change: p.Gln24His; replaces glutamine 24 with histidine.
Molecular consequence: missense variant.
Genome position (GRCh38, 1-based): chr3:48,187,876, C>A on the plus strand (G>T on the coding strand, the complement: CDC25A is on the minus strand). VCF-style: chr3-48187876-C-A. GRCh37 (hg19) VCF-style: chr3-48229366-C-A.
Other names: c.72G>T, p.Gln24His (NM_201567.2); short protein forms Q24H.
Identifiers: ClinVar variation 770886 (VCV000770886.6), dbSNP rs146179438, ClinGen allele CA2372241.
Genomic context (GRCh38, chr3:48,187,876, plus strand): 5'-GTTGGTGACAGGCGACAGTCCCCCGGCGGCTGAAGCGCCAAATAGCGCCTTCACGACGGG[C>A]TGCGACGCGGGAGGGGGGCTGCAGGCGAAGAGCAGGCGGCGGCGGTGCGGGGGCTCCGGG-3'
Protein context (NP_001780.2, residues 14-34): LFACSPPPAS[Gln24His]PVVKALFGAS

ClinVar aggregate classification (germline): Benign. Review status: criteria provided, multiple submitters, no conflicts (2 of 4 stars). 3 submissions from 3 submitters: Benign (3). Last evaluated 2019-01-09.

Allele frequency attached by ClinVar (database versions not stated): ESP Exome Variant Server 0.00731; TOPMed 0.00750; 1000 Genomes Project 30x 0.00828; 1000 Genomes Project 0.00839; gnomAD 0.01525 and 0.01567; gnomAD exomes 0.01734.
gnomAD v4.1: 24,096 of 1,547,200 alleles (1.6%); highest among the groups gnomAD compares: Non-Finnish European, 1.4%; 425 homozygotes.

Submissions (3):

GeneDx
Classification: Benign. Last evaluated: 2019-01-09. Review status: criteria provided, single submitter. Criteria: GeneDx Variant Classification Process June 2021. Collection method: clinical testing. Allele origin: germline. Affected: yes.
Comment: This variant is associated with the following publications: (PMID: 29083408)

Labcorp Genetics (formerly Invitae), Labcorp
Classification: Benign. Last evaluated: 2018-05-18. Review status: criteria provided, single submitter. Criteria: Invitae Variant Classification Sherloc (09022015). Collection method: clinical testing. Allele origin: germline.

Breakthrough Genomics
Classification: Benign. Review status: criteria provided, single submitter. Criteria: ACMG Guidelines, 2015. Collection method: not provided. Allele origin: germline. Inheritance: Unknown mechanism. Affected: yes.